The following is an entry in ClinVar:

ClinVar aggregate classification (germline): Uncertain significance. Review status: criteria provided, multiple submitters, no conflicts (2 of 4 stars). 2 submissions from 2 submitters: Uncertain significance (2). Last evaluated 2025-04-10.

Conditions:
Inborn genetic diseases. Identifiers: MedGen C0950123, MeSH D030342.

Allele frequency attached by ClinVar (database versions not stated): gnomAD exomes below 0.00001 and 0.00001; TOPMed 0.00002; gnomAD 0.00004.

Submissions (2):

Ambry Genetics
Classification: Uncertain significance for Inborn genetic diseases. Last evaluated: 2025-04-10. Review status: criteria provided, single submitter. Criteria: Ambry Variant Classification Scheme 2023. Collection method: clinical testing. Allele origin: germline.

Labcorp Genetics (formerly Invitae), Labcorp
Classification: Uncertain significance. Last evaluated: 2024-08-31. Review status: criteria provided, single submitter. Criteria: Invitae Variant Classification Sherloc (09022015). Collection method: clinical testing. Allele origin: germline.
Comment: This sequence change replaces glycine, which is neutral and non-polar, with aspartic acid, which is acidic and polar, at codon 650 of the TCIRG1 protein (p.Gly650Asp). The frequency data for this variant in the population databases is considered unreliable, as metrics indicate poor data quality at this position in the gnomAD database. This variant has not been reported in the literature in individuals affected with TCIRG1-related conditions. ClinVar contains an entry for this variant (Variation ID: 1441465). Invitae Evidence Modeling of protein sequence and biophysical properties (such as structural, functional, and spatial information, amino acid conservation, physicochemical variation, residue mobility, and thermodynamic stability) indicates that this missense variant is expected to disrupt TCIRG1 protein function with a positive predictive value of 80%. In summary, the available evidence is currently insufficient to determine the role of this variant in disease. Therefore, it has been classified as a Variant of Uncertain Significance.

NM_006019.4(TCIRG1):c.1949G>A (p.Gly650Asp)

Gene: TCIRG1 (T cell immune regulator 1, ATPase H+ transporting V0 subunit a3; plus strand). Cytogenetic location: 11q13.2.
Variant type: single nucleotide variant.
Coding change: c.1949G>A on transcript NM_006019.4 (MANE Select); coding-DNA position 1949, G replaced by A.
Protein change: p.Gly650Asp; replaces glycine 650 with aspartic acid.
Molecular consequence: missense variant.
Genome position (GRCh38, 1-based): chr11:68,049,724, G>A. VCF-style: chr11-68049724-G-A. GRCh37 (hg19) VCF-style: chr11-67817191-G-A.
Other names: c.1055G>A, p.Gly352Asp (NM_001351059.2); c.1301G>A, p.Gly434Asp (NM_006053.4); c.1949G>A (NM_006019.3); short protein forms G650D, G352D, G434D.
Identifiers: ClinVar variation 1441465 (VCV001441465.6), dbSNP rs750828204, ClinGen allele CA6147325.